The following is an entry in ClinVar:

ClinVar aggregate classification (germline): Conflicting classifications of pathogenicity. Review status: criteria provided, conflicting classifications (1 of 4 stars). 2 submissions from 2 submitters: Uncertain significance (1); Likely benign (1). Last evaluated 2025-07-01.

Allele frequency attached by ClinVar (database versions not stated): gnomAD exomes 0.00005; ESP Exome Variant Server 0.00008; ExAC 0.00011; 1000 Genomes Project 30x 0.00016; 1000 Genomes Project 0.00020; gnomAD 0.00024.
gnomAD v4.1: 113 of 1,604,208 alleles (0.007%); highest among the groups gnomAD compares: African/African-American, 0.086%; 4 homozygotes.

Submissions (2):

CeGaT Center for Human Genetics Tuebingen
Classification: Likely benign. Last evaluated: 2025-07-01. Review status: criteria provided, single submitter. Criteria: CeGaT Center For Human Genetics Tuebingen Variant Classification Criteria Version 2. Collection method: clinical testing. Allele origin: germline. Affected: yes. Observed: 1 variant allele.
Comment: KIR3DL1: BP4

Ambry Genetics
Classification: Uncertain significance. Last evaluated: 2024-01-12. Review status: criteria provided, single submitter. Criteria: Ambry Variant Classification Scheme 2023. Collection method: clinical testing. Allele origin: germline.

NM_013289.4(KIR3DL1):c.100T>C (p.Trp34Arg)

Gene: KIR3DL1 (killer cell immunoglobulin like receptor, three Ig domains and long cytoplasmic tail 1). Cytogenetic location: 19q13.42.
Variant type: single nucleotide variant.
Coding change: c.100T>C on transcript NM_013289.4 (MANE Select); coding-DNA position 100, T replaced by C.
Protein change: p.Trp34Arg; replaces tryptophan 34 with arginine.
Molecular consequence: missense variant.
Genome position (GRCh38, 1-based): chr19:54,818,344, T>C. VCF-style: chr19-54818344-T-C. GRCh37 (hg19) VCF-style: chr19-55329799-T-C.
Other names: short protein forms W34R.
Identifiers: ClinVar variation 2205880 (VCV002205880.10), dbSNP rs370220844, ClinGen allele CA309915031.